The following is an entry in ClinVar:

NM_182760.4(SUMF1):c.257T>A (p.Leu86His)

Genes: SUMF1 (sulfatase modifying factor 1; minus strand), LOC129936056 (ATAC-STARR-seq lymphoblastoid silent region 14016; plus strand). Cytogenetic location: 3p26.1.
Variant type: single nucleotide variant.
Coding change: c.257T>A on transcript NM_182760.4 (MANE Select); coding-DNA position 257, T replaced by A.
Protein change: p.Leu86His; replaces leucine 86 with histidine.
Molecular consequence: missense variant.
Genome position (GRCh38, 1-based): chr3:4,466,989, A>T on the plus strand (T>A on the coding strand, the complement: SUMF1 is on the minus strand). VCF-style: chr3-4466989-A-T. GRCh37 (hg19) VCF-style: chr3-4508673-A-T.
Other names: c.257T>A, p.Leu86His (NM_001164674.2, NM_001164675.2); short protein forms L86H.
Identifiers: ClinVar variation 1981099 (VCV001981099.1), dbSNP rs2470078142, ClinGen allele CA351794105.

ClinVar aggregate classification (germline): Uncertain significance (1 of 4 stars; one submission).

Conditions:
Multiple sulfatase deficiency (MSD). Also called: Mucosulfatidosis; Multiple Sulfatase Deficiency Disease; Sulfatidosis, Juvenile, Austin Type. Identifiers: Orphanet 585, MedGen C0268263, MONDO:0010088, OMIM 272200.

Submission:

Labcorp Genetics (formerly Invitae), Labcorp
Classification: Uncertain significance for Multiple sulfatase deficiency. Last evaluated: 2022-08-17. Review status: criteria provided, single submitter. Criteria: Invitae Variant Classification Sherloc (09022015). Collection method: clinical testing. Allele origin: germline.
Comment: This sequence change replaces leucine, which is neutral and non-polar, with histidine, which is basic and polar, at codon 86 of the SUMF1 protein (p.Leu86His). This variant is not present in population databases (gnomAD no frequency). This variant has not been reported in the literature in individuals affected with SUMF1-related conditions. Algorithms developed to predict the effect of missense changes on protein structure and function (SIFT, PolyPhen-2, Align-GVGD) all suggest that this variant is likely to be tolerated. In summary, the available evidence is currently insufficient to determine the role of this variant in disease. Therefore, it has been classified as a Variant of Uncertain Significance.